The following is an entry in ClinVar:

ClinVar aggregate classification (germline): Uncertain significance (1 of 4 stars; one submission).

Conditions:
Gastrointestinal stromal tumor. Also called: Gastrointestinal stroma tumor; Gastrointestinal stromal tumor, somatic. Identifiers: Orphanet 44890, MedGen C0238198, MeSH D046152, MONDO:0011719, OMIM 606764, HP:0100723.

Submission:

Labcorp Genetics (formerly Invitae), Labcorp
Classification: Uncertain significance for Gastrointestinal stromal tumor. Last evaluated: 2021-08-06. Review status: criteria provided, single submitter. Criteria: Invitae Variant Classification Sherloc (09022015). Collection method: clinical testing. Allele origin: germline.
Comment: In summary, the available evidence is currently insufficient to determine the role of this variant in disease. Therefore, it has been classified as a Variant of Uncertain Significance. Algorithms developed to predict the effect of sequence changes on RNA splicing suggest that this variant may create or strengthen a splice site. Experimental studies and prediction algorithms are not available or were not evaluated, and the functional significance of this variant is currently unknown. This variant has not been reported in the literature in individuals affected with PDGFRA-related conditions. This variant is not present in population databases (ExAC no frequency). This sequence change creates a premature translational stop signal (p.Gln579*) in the PDGFRA gene. It is expected to result in an absent or disrupted protein product. However, the current clinical and genetic evidence is not sufficient to establish whether loss-of-function variants in PDGFRA cause disease.

NM_006206.6(PDGFRA):c.1735C>T (p.Gln579Ter)

Gene: PDGFRA (platelet derived growth factor receptor alpha; plus strand). Cytogenetic location: 4q12.
Variant type: single nucleotide variant.
Coding change: c.1735C>T on transcript NM_006206.6 (MANE Select); coding-DNA position 1735, C replaced by T.
Protein change: p.Gln579Ter; replaces glutamine 579 with a stop codon.
Molecular consequence: nonsense.
Genome position (GRCh38, 1-based): chr4:54,274,922, C>T. VCF-style: chr4-54274922-C-T. GRCh37 (hg19) VCF-style: chr4-55141089-C-T.
Other names: c.1735C>T, p.Gln579Ter (NM_001347827.2, NM_001347829.2); c.1810C>T, p.Gln604Ter (NM_001347828.2); c.1774C>T, p.Gln592Ter (NM_001347830.2); short protein forms Q592*, Q604*, Q579*.
Identifiers: ClinVar variation 1475180 (VCV001475180.6), dbSNP rs2110300246, ClinGen allele CA356893198.